The following is an entry in ClinVar:

ClinVar aggregate classification (germline): Pathogenic (0 of 4 stars; one submission).

Conditions:
Mild intellectual disability. Identifiers: MedGen C0026106, HP:0001256.

Submission:

Shaanxi Institute for Pediatric Diseases, Xi'an Children's Hospital
Classification: Pathogenic for Mild intellectual disability. Last evaluated: 2020-08-11. Review status: no assertion criteria provided. Collection method: clinical testing. Allele origin: paternal. Inheritance: Autosomal recessive inheritance. Affected: yes. Observed: 2 variant alleles.
Comment: Thec.35_54dup( p.Ser19Argfs*42) heterozygous variant in UBR7 has not been reported in previous literature, and was absent in gnomAD. we found the variant in two patients from a Chinese family. The two patients had similar clinical features, including global developmental delay, mental retardation, and facial abnormalities, epilepsy. In summary, according to ACMG guidelines, the variant was to be classified as Likely pathogenic.

NM_175748.4(UBR7):c.35_54dup (p.Ser19fs)

Gene: UBR7 (ubiquitin protein ligase E3 component n-recognin 7; plus strand). Cytogenetic location: 14q32.12.
Variant type: Duplication.
Coding change: c.35_54dup on transcript NM_175748.4 (MANE Select); coding-DNA positions 35 to 54, 20 bases duplicated (CGGAGCTGGAGCCCGTGGTA).
Protein change: p.Ser19fs; shifts the reading frame from serine 19.
Molecular consequence: frameshift variant. On other transcripts: non-coding transcript variant (1).
Genome position (GRCh38, 1-based): chr14:93,207,326-93,207,345, CGGAGCTGGAGCCCGTGGTA duplicated. VCF-style (leftmost placement, unchanged base first): chr14-93207325-T-TCGGAGCTGGAGCCCGTGGTA. GRCh37 (hg19) VCF-style: chr14-93673670-T-TCGGAGCTGGAGCCCGTGGTA.
Other names: short protein forms S19fs.
Identifiers: ClinVar variation 1294425 (VCV001294425.1), dbSNP rs2140095603, ClinGen allele CA2499222786.